The following is an entry in ClinVar:

ClinVar aggregate classification (germline): Uncertain significance (1 of 4 stars; one submission).

Submission:

Labcorp Genetics (formerly Invitae), Labcorp
Classification: Uncertain significance. Last evaluated: 2025-01-22. Review status: criteria provided, single submitter. Criteria: Invitae Variant Classification Sherloc (09022015). Collection method: clinical testing. Allele origin: germline.
Comment: This sequence change replaces serine, which is neutral and polar, with threonine, which is neutral and polar, at codon 1800 of the ZNF469 protein (p.Ser1800Thr). This variant is not present in population databases (gnomAD no frequency). This variant has not been reported in the literature in individuals affected with ZNF469-related conditions. An algorithm developed to predict the effect of missense changes on protein structure and function outputs the following: PolyPhen-2: "Benign". The threonine amino acid residue is found in multiple mammalian species, which suggests that this missense change does not adversely affect protein function. In summary, the available evidence is currently insufficient to determine the role of this variant in disease. Therefore, it has been classified as a Variant of Uncertain Significance.

NM_001367624.2(ZNF469):c.5483G>C (p.Ser1828Thr)

Gene: ZNF469 (zinc finger protein 469; plus strand). Cytogenetic location: 16q24.2.
Variant type: single nucleotide variant.
Coding change: c.5483G>C on transcript NM_001367624.2 (MANE Select); coding-DNA position 5483, G replaced by C.
Protein change: p.Ser1828Thr; replaces serine 1828 with threonine.
Molecular consequence: missense variant.
Genome position (GRCh38, 1-based): chr16:88,432,953, G>C. VCF-style: chr16-88432953-G-C. GRCh37 (hg19) VCF-style: chr16-88499361-G-C.
Other names: short protein forms S1828T.
Identifiers: ClinVar variation 4799291 (VCV004799291.1).